The following is an entry in ClinVar:

ClinVar aggregate classification (germline): Pathogenic. Review status: criteria provided, single submitter (1 of 4 stars). 2 submissions from 2 submitters: Pathogenic (1). 1 of the submissions does not count toward it. Last evaluated 2025-08-18.

Conditions:
Osteogenesis imperfecta (OI). Identifiers: Orphanet 666, MedGen C0029434, MeSH D010013, MONDO:0019019.
Osteogenesis imperfecta type I (OI1). Also called: Lobstein disease; Lobstein's Disease; Osteogenesis imperfecta type 1; Classic Non-deforming Osteogenesis Imperfecta with Blue Sclerae; OI, TYPE I; OSTEOGENESIS IMPERFECTA TARDA. Identifiers: Orphanet 216796, Orphanet 666, MedGen C0023931, MONDO:0008146, OMIM 166200. Disease mechanism: loss of function.

Submissions (2):

Labcorp Genetics (formerly Invitae), Labcorp
Classification: Pathogenic for Osteogenesis imperfecta type I. Last evaluated: 2025-08-18. Review status: criteria provided, single submitter. Criteria: Invitae Variant Classification Sherloc (09022015). Collection method: clinical testing. Allele origin: germline.
Comment: This sequence change creates a premature translational stop signal (p.Gln1335*) in the COL1A1 gene. It is expected to result in an absent or disrupted protein product. Loss-of-function variants in COL1A1 are known to be pathogenic (PMID: 7942841, 9295084, 9443882). This variant is not present in population databases (gnomAD no frequency). This variant has not been reported in the literature in individuals affected with COL1A1-related conditions. ClinVar contains an entry for this variant (Variation ID: 692199). For these reasons, this variant has been classified as Pathogenic.

Clinical Molecular Genetics Laboratory, Johns Hopkins All Children's Hospital
Classification: Pathogenic for Osteogenesis imperfecta. Last evaluated: 2019-10-22. Review status: no assertion criteria provided. Collection method: clinical testing. Allele origin: germline. Inheritance: Autosomal dominant inheritance. Affected: yes. Observed: 1 heterozygote. Not counted in ClinVar's aggregate classification.

Literature cited by the submitters: PubMed 7942841 (cited by Labcorp Genetics (formerly Invitae), Labcorp); PubMed 9295084 (cited by Labcorp Genetics (formerly Invitae), Labcorp); PubMed 9443882 (cited by Labcorp Genetics (formerly Invitae), Labcorp).

NM_000088.4(COL1A1):c.4003C>T (p.Gln1335Ter)

Gene: COL1A1 (collagen type I alpha 1 chain; minus strand). Cytogenetic location: 17q21.33.
Variant type: single nucleotide variant.
Coding change: c.4003C>T on transcript NM_000088.4 (MANE Select); coding-DNA position 4003, C replaced by T.
Protein change: p.Gln1335Ter; replaces glutamine 1335 with a stop codon.
Molecular consequence: nonsense.
Genome position (GRCh38, 1-based): chr17:50,186,319, G>A on the plus strand (C>T on the coding strand, the complement: COL1A1 is on the minus strand). VCF-style: chr17-50186319-G-A. GRCh37 (hg19) VCF-style: chr17-48263680-G-A.
Other names: short protein forms Q1335*.
Identifiers: ClinVar variation 692199 (VCV000692199.4), dbSNP rs868166455, ClinGen allele CA291542843.